The following is an entry in ClinVar:

ClinVar aggregate classification (germline): Uncertain significance (1 of 4 stars; one submission).

Conditions:
Congenital contractural arachnodactyly (CCA). Also called: Beals-Hecht syndrome; BEALS SYNDROME; Arthrogryposis, distal, type 9. Identifiers: Orphanet 115, MedGen C0220668, MONDO:0007363, OMIM 121050.

gnomAD v4.1: 2 of 1,611,846 alleles (0.00012%); highest among the groups gnomAD compares: South Asian, 0.0022%; no homozygotes.

Submission:

Labcorp Genetics (formerly Invitae), Labcorp
Classification: Uncertain significance for Congenital contractural arachnodactyly. Last evaluated: 2023-02-21. Review status: criteria provided, single submitter. Criteria: Invitae Variant Classification Sherloc (09022015). Collection method: clinical testing. Allele origin: germline.
Comment: In summary, the available evidence is currently insufficient to determine the role of this variant in disease. Therefore, it has been classified as a Variant of Uncertain Significance. Algorithms developed to predict the effect of sequence changes on RNA splicing suggest that this variant is not likely to affect RNA splicing. This variant has not been reported in the literature in individuals affected with FBN2-related conditions. This variant is not present in population databases (gnomAD no frequency). This sequence change affects codon 2379 of the FBN2 mRNA. It is a 'silent' change, meaning that it does not change the encoded amino acid sequence of the FBN2 protein. It affects a nucleotide within the consensus splice site.

NM_001999.4(FBN2):c.7137T>C (p.Leu2379=)

Gene: FBN2 (fibrillin 2; minus strand). Cytogenetic location: 5q23.3.
Variant type: single nucleotide variant.
Coding change: c.7137T>C on transcript NM_001999.4 (MANE Select); coding-DNA position 7137, T replaced by C.
Protein change: p.Leu2379=; no amino-acid change (leucine 2379 retained).
Molecular consequence: synonymous variant.
Genome position (GRCh38, 1-based): chr5:128,280,193, A>G on the plus strand (T>C on the coding strand, the complement: FBN2 is on the minus strand). VCF-style: chr5-128280193-A-G. GRCh37 (hg19) VCF-style: chr5-127615885-A-G.
Identifiers: ClinVar variation 2839349 (VCV002839349.3), dbSNP rs765676702, ClinGen allele CA446307308.